The following is an entry in ClinVar:

NM_001378120.1(MBD5):c.-663C>T

Gene: MBD5 (methyl-CpG binding domain protein 5; plus strand). Cytogenetic location: 2q23.1.
Variant type: single nucleotide variant.
Coding change: c.-663C>T on transcript NM_001378120.1 (MANE Select); 663 bases upstream of the start codon, C replaced by T.
Molecular consequence: 5 prime UTR variant.
Genome position (GRCh38, 1-based): chr2:148,342,230, C>T. VCF-style: chr2-148342230-C-T. GRCh37 (hg19) VCF-style: chr2-149099799-C-T.
Other names: c.-663C>T (NM_018328.5).
Identifiers: ClinVar variation 331321 (VCV000331321.1), dbSNP rs748989182, ClinGen allele CA10611266.
Genomic context (GRCh38, chr2:148,342,230, plus strand): 5'-AAGCCTTTAAATAAATGTGCGGACTCATGTTATTTCTGTTCCAGAGAGAAGAGGTACTCC[C>T]TTATAGGGACTCGTAAAGACATAGAGCATCTGGAAATTAACTGCCTCCATTACACTGCTG-3'

ClinVar aggregate classification (germline): Likely benign (1 of 4 stars; one submission).

Allele frequency attached by ClinVar (database versions not stated): TOPMed 0.00004 and 0.00005; gnomAD 0.00006.
gnomAD v4.1: 9 of 151,966 alleles (0.0059%); highest among the groups gnomAD compares: Non-Finnish European, 0.013%; no homozygotes.

Submission:

GeneDx
Classification: Likely benign. Last evaluated: 2017-09-01. Review status: criteria provided, single submitter. Criteria: GeneDx Variant Classification (06012015). Collection method: clinical testing. Allele origin: germline. Affected: yes.
Comment: This variant is considered likely benign or benign based on one or more of the following criteria: it is a conservative change, it occurs at a poorly conserved position in the protein, it is predicted to be benign by multiple in silico algorithms, and/or has population frequency not consistent with disease.